The following is an entry in ClinVar:

ClinVar aggregate classification (germline): Pathogenic (1 of 4 stars; one submission).

Conditions:
Multiple endocrine neoplasia, type 1 (MEN1). Also called: MEN I; WERMER SYNDROME; Endocrine adenomatosis multiple; MEN 1; MEA I. Identifiers: Orphanet 652, MedGen C0025267, MeSH D018761, MONDO:0007540, OMIM 131100.

Submission:

Labcorp Genetics (formerly Invitae), Labcorp
Classification: Pathogenic for Multiple endocrine neoplasia, type 1. Last evaluated: 2021-05-31. Review status: criteria provided, single submitter. Criteria: Invitae Variant Classification Sherloc (09022015). Collection method: clinical testing. Allele origin: germline.
Comment: For these reasons, this variant has been classified as Pathogenic. This variant has been observed in individual(s) with MEN1-related conditions (PMID: 32190804). ClinVar contains an entry for this variant (Variation ID: 951536). This variant is not present in population databases (ExAC no frequency). This sequence change creates a premature translational stop signal (p.Ala176Leufs*10) in the MEN1 gene. It is expected to result in an absent or disrupted protein product. Loss-of-function variants in MEN1 are known to be pathogenic (PMID: 12112656, 17853334).

Literature cited by the submitters: PubMed 32190804; PubMed 12112656; PubMed 17853334.

NM_001370259.2(MEN1):c.525_526insTT (p.Ala176fs)

Gene: MEN1 (menin 1; minus strand). Cytogenetic location: 11q13.1.
Variant type: Insertion.
Coding change: c.525_526insTT on transcript NM_001370259.2 (MANE Select); coding-DNA positions 525 to 526, TT inserted.
Protein change: p.Ala176fs; shifts the reading frame from alanine 176.
Molecular consequence: frameshift variant.
Genome position: GRCh38 VCF-style: chr11-64808019-C-CAA. GRCh37 (hg19) VCF-style: chr11-64575491-C-CAA.
Other names: c.540_541insTT, p.Ala181fs (NM_000244.4, NM_130800.3, NM_130801.3 and 3 more transcripts); c.525_526insTT, p.Ala176fs (NM_001370251.2, NM_001370260.2, NM_001370261.2 and 3 more transcripts); short protein forms A176fs, A181fs.
Identifiers: ClinVar variation 951536 (VCV000951536.9), dbSNP rs1941864588, ClinGen allele CA1139662003.